The following is an entry in ClinVar:

NM_000316.3(PTH1R):c.1117-8T>C

Gene: PTH1R (parathyroid hormone 1 receptor; plus strand). Cytogenetic location: 3p21.31.
Variant type: single nucleotide variant.
Coding change: c.1117-8T>C on transcript NM_000316.3 (MANE Select); 8 bases into the intron before coding-DNA position 1117, T replaced by C.
Molecular consequence: intron variant.
Genome position (GRCh38, 1-based): chr3:46,901,758, T>C. VCF-style: chr3-46901758-T-C. GRCh37 (hg19) VCF-style: chr3-46943248-T-C.
Other names: c.1117-8T>C (NM_001184744.1, NM_000316.2).
Identifiers: ClinVar variation 1669148 (VCV001669148.11), dbSNP rs749389822, ClinGen allele CA2359418.

ClinVar aggregate classification (germline): Likely benign. Review status: criteria provided, multiple submitters, no conflicts (2 of 4 stars). 3 submissions from 3 submitters: Likely benign (2). 1 of the submissions does not count toward it. Last evaluated 2025-04-29.

Conditions:
Chondrodysplasia Blomstrand type (BOCD). Identifiers: Orphanet 50945, MedGen C1859148, MONDO:0008970, OMIM 215045.
Eiken syndrome (EKNS). Also called: BONE MODELING DEFECT OF HANDS AND FEET. Identifiers: Orphanet 79106, MedGen C1838779, MONDO:0010803, OMIM 600002.
Primary failure of tooth eruption. Also called: DENTAL NONERUPTION; PRIMARY RETENTION OF TEETH; UNERUPTED SECOND PRIMARY MOLAR; POSTERIOR OPENBITE MALOCCLUSION, FAMILIAL. Identifiers: Orphanet 412206, MedGen C1852222, MONDO:0007434, OMIM 125350.
Metaphyseal chondrodysplasia, Jansen type. Also called: PTH1R-Related Jansen Metaphyseal Chondrodysplasia; Metaphyseal chondrodysplasia Murk Jansen type. Identifiers: Orphanet 33067, MedGen C0265295, MONDO:0007982, OMIM 156400.
PTH1R-related disorder. Also called: PTH1R-related condition.

Allele frequency attached by ClinVar (database versions not stated): gnomAD exomes below 0.00001 and 0.00001; ExAC 0.00001.
gnomAD v4.1: 3 of 1,613,218 alleles (0.00019%); highest among the groups gnomAD compares: Admixed American, 0.005%; no homozygotes.

Submissions (3):

Labcorp Genetics (formerly Invitae), Labcorp
Classification: Likely benign. Last evaluated: 2025-04-29. Review status: criteria provided, single submitter. Criteria: Invitae Variant Classification Sherloc (09022015). Collection method: clinical testing. Allele origin: germline.

Fulgent Genetics
Classification: Likely benign for Primary failure of tooth eruption; Metaphyseal chondrodysplasia, Jansen type; Chondrodysplasia Blomstrand type; Eiken syndrome. Last evaluated: 2022-01-24. Review status: criteria provided, single submitter. Criteria: ACMG Guidelines, 2015. Collection method: clinical testing. Allele origin: unknown.

PreventionGenetics, part of Exact Sciences
Classification: Likely benign for PTH1R-related condition. Last evaluated: 2022-02-02. Review status: no assertion criteria provided. Collection method: clinical testing. Allele origin: germline. Not counted in ClinVar's aggregate classification.
Comment: This variant is classified as likely benign based on ACMG/AMP sequence variant interpretation guidelines (Richards et al. 2015 PMID: 25741868, with internal and published modifications).